The following is an entry in ClinVar:

NM_000135.4(FANCA):c.627G>A (p.Trp209Ter)

Gene: FANCA (FA complementation group A; minus strand). Cytogenetic location: 16q24.3.
Variant type: single nucleotide variant.
Coding change: c.627G>A on transcript NM_000135.4 (MANE Select); coding-DNA position 627, G replaced by A.
Protein change: p.Trp209Ter; replaces tryptophan 209 with a stop codon.
Molecular consequence: nonsense.
Genome position (GRCh38, 1-based): chr16:89,805,362, C>T on the plus strand (G>A on the coding strand, the complement: FANCA is on the minus strand). VCF-style: chr16-89805362-C-T. GRCh37 (hg19) VCF-style: chr16-89871770-C-T.
Other names: c.627G>A, p.Trp209Ter (NM_001018112.3, NM_001286167.3); c.531G>A, p.Trp177Ter (NM_001351830.2); short protein forms W177*, W209*.
Identifiers: ClinVar variation 2675457 (VCV002675457.6), dbSNP rs1018067067, ClinGen allele CA286606209.

ClinVar aggregate classification (germline): Pathogenic. Review status: criteria provided, multiple submitters, no conflicts (2 of 4 stars). 3 submissions from 3 submitters: Pathogenic (3). Last evaluated 2024-05-22.

Conditions:
Fanconi anemia (FA). Also called: Fanconi's anemia. Identifiers: Orphanet 84, MedGen C0015625, MeSH D005199, MONDO:0019391.
Fanconi anemia complementation group A (FANCA). Also called: FANCA-Related Fanconi Anemia; Fanconi anemia, group A. Identifiers: Orphanet 84, MedGen C3469521, MONDO:0009215, OMIM 227650.

Allele frequency attached by ClinVar (database versions not stated): TOPMed below 0.00001.
gnomAD v4.1: 3 of 1,614,028 alleles (0.00019%); highest among the groups gnomAD compares: Non-Finnish European, 0.00025%; no homozygotes.

Submissions (3):

Fulgent Genetics
Classification: Pathogenic for Fanconi anemia complementation group A. Last evaluated: 2024-05-22. Review status: criteria provided, single submitter. Criteria: ACMG Guidelines, 2015. Collection method: clinical testing. Allele origin: germline.

Baylor Genetics
Classification: Pathogenic for Fanconi anemia complementation group A. Last evaluated: 2024-03-11. Review status: criteria provided, single submitter. Criteria: ACMG Guidelines, 2015. Collection method: clinical testing. Allele origin: unknown.

Labcorp Genetics (formerly Invitae), Labcorp
Classification: Pathogenic for Fanconi anemia. Last evaluated: 2024-01-24. Review status: criteria provided, single submitter. Criteria: Invitae Variant Classification Sherloc (09022015). Collection method: clinical testing. Allele origin: germline.
Comment: This sequence change creates a premature translational stop signal (p.Trp209*) in the FANCA gene. It is expected to result in an absent or disrupted protein product. Loss-of-function variants in FANCA are known to be pathogenic (PMID: 19367192). This variant is not present in population databases (gnomAD no frequency). This premature translational stop signal has been observed in individual(s) with Fanconi anemia (PMID: 32793304). For these reasons, this variant has been classified as Pathogenic.

Literature cited by the submitters: PubMed 19367192 (cited by Labcorp Genetics (formerly Invitae), Labcorp); PubMed 32793304 (cited by Labcorp Genetics (formerly Invitae), Labcorp).